The following is an entry in ClinVar:

ClinVar aggregate classification (germline): Uncertain significance (1 of 4 stars; one submission).

Conditions:
Glycogen storage disease, type V (GSD5). Also called: PYGM DEFICIENCY; MCARDLE DISEASE; MUSCLE GLYCOGEN PHOSPHORYLASE DEFICIENCY; MYOPHOSPHORYLASE DEFICIENCY; McArdle type glycogen storage disease. Identifiers: Orphanet 368, MedGen C0017924, MONDO:0009293, OMIM 232600.

Allele frequency attached by ClinVar (database versions not stated): ExAC 0.00002; 1000 Genomes Project 30x 0.00016; 1000 Genomes Project 0.00020.
gnomAD v4.1: 69 of 1,608,740 alleles (0.0043%); highest among the groups gnomAD compares: South Asian, 0.012%; no homozygotes.

Submission:

Labcorp Genetics (formerly Invitae), Labcorp
Classification: Uncertain significance for Glycogen storage disease, type V. Last evaluated: 2022-06-27. Review status: criteria provided, single submitter. Criteria: Invitae Variant Classification Sherloc (09022015). Collection method: clinical testing. Allele origin: germline.
Comment: This sequence change replaces arginine, which is basic and polar, with tryptophan, which is neutral and slightly polar, at codon 425 of the PYGM protein (p.Arg425Trp). This variant is present in population databases (rs577821154, gnomAD 0.009%). This variant has not been reported in the literature in individuals affected with PYGM-related conditions. Algorithms developed to predict the effect of missense changes on protein structure and function are either unavailable or do not agree on the potential impact of this missense change (SIFT: "Not Available"; PolyPhen-2: "Probably Damaging"; Align-GVGD: "Not Available"). In summary, the available evidence is currently insufficient to determine the role of this variant in disease. Therefore, it has been classified as a Variant of Uncertain Significance.

NM_005609.4(PYGM):c.1273C>T (p.Arg425Trp)

Gene: PYGM (glycogen phosphorylase, muscle associated; minus strand). Cytogenetic location: 11q13.1.
Variant type: single nucleotide variant.
Coding change: c.1273C>T on transcript NM_005609.4 (MANE Select); coding-DNA position 1273, C replaced by T.
Protein change: p.Arg425Trp; replaces arginine 425 with tryptophan.
Molecular consequence: missense variant.
Genome position (GRCh38, 1-based): chr11:64,753,649, G>A on the plus strand (C>T on the coding strand, the complement: PYGM is on the minus strand). VCF-style: chr11-64753649-G-A. GRCh37 (hg19) VCF-style: chr11-64521121-G-A.
Other names: c.1009C>T, p.Arg337Trp (NM_001164716.1); short protein forms R337W, R425W.
Identifiers: ClinVar variation 1359349 (VCV001359349.3), dbSNP rs577821154, ClinGen allele CA6079930.